The following is an entry in ClinVar:

NM_004172.5(SLC1A3):c.1279A>G (p.Ile427Val)

Genes: SLC1A3 (solute carrier family 1 member 3; plus strand), SLC1A3-AS1 (SLC1A3 antisense RNA 1; minus strand). Cytogenetic location: 5p13.2.
Variant type: single nucleotide variant.
Coding change: c.1279A>G on transcript NM_004172.5 (MANE Select); coding-DNA position 1279, A replaced by G.
Protein change: p.Ile427Val; replaces isoleucine 427 with valine.
Molecular consequence: missense variant.
Genome position (GRCh38, 1-based): chr5:36,680,579, A>G. VCF-style: chr5-36680579-A-G. GRCh37 (hg19) VCF-style: chr5-36680681-A-G.
Other names: c.1279A>G, p.Ile427Val (NM_001166695.3); c.1141A>G, p.Ile381Val (NM_001289939.2); c.943A>G, p.Ile315Val (NM_001289940.2); short protein forms I315V, I381V, I427V.
Identifiers: ClinVar variation 2684384 (VCV002684384.1), dbSNP rs1210946703, ClinGen allele CA359483372.

ClinVar aggregate classification (germline): Uncertain significance (1 of 4 stars; one submission).

Allele frequency attached by ClinVar (database versions not stated): gnomAD exomes below 0.00001; gnomAD 0.00001.

Submission:

Athena Diagnostics
Classification: Uncertain significance. Last evaluated: 2022-09-27. Review status: criteria provided, single submitter. Criteria: Athena Diagnostics Criteria. Collection method: clinical testing. Allele origin: unknown.
Comment: Available data are insufficient to determine the clinical significance of the variant at this time. The frequency of this variant in the general population is uninformative in assessment of its pathogenicity. Computational tools predict that this variant is not damaging.